The following is an entry in ClinVar:

NM_006230.4(POLD2):c.-77C>A

Gene: POLD2 (DNA polymerase delta 2, accessory subunit; minus strand). Cytogenetic location: 7p13.
Variant type: single nucleotide variant.
Coding change: c.-77C>A on transcript NM_006230.4 (MANE Select); 77 bases upstream of the start codon, C replaced by A.
Molecular consequence: 5 prime UTR variant.
Genome position (GRCh38, 1-based): chr7:44,123,531, G>T on the plus strand (C>A on the coding strand, the complement: POLD2 is on the minus strand). VCF-style: chr7-44123531-G-T. GRCh37 (hg19) VCF-style: chr7-44163130-G-T.
Other names: c.-250C>A (NM_001127218.3); c.-673C>A (NM_001256879.2).
Identifiers: ClinVar variation 2871204 (VCV002871204.3), dbSNP rs868269578, ClinGen allele CA157894777.

ClinVar aggregate classification (germline): Uncertain significance (1 of 4 stars; one submission).

Allele frequency attached by ClinVar (database versions not stated): gnomAD 0.00007; TOPMed 0.00009.
gnomAD v4.1: 22 of 1,487,250 alleles (0.0015%); highest among the groups gnomAD compares: African/African-American, 0.031%; no homozygotes.

Submission:

Labcorp Genetics (formerly Invitae), Labcorp
Classification: Uncertain significance. Last evaluated: 2025-02-15. Review status: criteria provided, single submitter. Criteria: Invitae Variant Classification Sherloc (09022015). Collection method: clinical testing. Allele origin: germline.
Comment: This sequence change replaces alanine, which is neutral and non-polar, with glutamic acid, which is acidic and polar, at codon 10 of the POLD2 protein (p.Ala10Glu). This variant is present in population databases (no rsID available, gnomAD 0.04%). This variant has not been reported in the literature in individuals affected with POLD2-related conditions. ClinVar contains an entry for this variant (Variation ID: 2871204). Experimental studies and prediction algorithms are not available or were not evaluated, and the functional significance of this variant is currently unknown. In summary, the available evidence is currently insufficient to determine the role of this variant in disease. Therefore, it has been classified as a Variant of Uncertain Significance.